The following is an entry in ClinVar:

NM_000548.5(TSC2):c.4630A>G (p.Lys1544Glu)

Gene: TSC2 (TSC complex subunit 2; plus strand). Cytogenetic location: 16p13.3.
Variant type: single nucleotide variant.
Coding change: c.4630A>G on transcript NM_000548.5 (MANE Select); coding-DNA position 4630, A replaced by G.
Protein change: p.Lys1544Glu; replaces lysine 1544 with glutamic acid.
Molecular consequence: missense variant. On other transcripts: non-coding transcript variant (5).
Genome position (GRCh38, 1-based): chr16:2,085,290, A>G. VCF-style: chr16-2085290-A-G. GRCh37 (hg19) VCF-style: chr16-2135291-A-G.
Other names: c.3154A>G, p.Lys1052Glu (NM_001406691.1); c.3088A>G, p.Lys1030Glu (NM_001406692.1, NM_001406693.1, NM_001406694.1); c.3085A>G, p.Lys1029Glu (NM_001406695.1, NM_001406696.1, NM_001406697.1); c.2827A>G, p.Lys943Glu (NM_001406698.1); c.4501A>G, p.Lys1501Glu (NM_021055.3, NM_001370405.1); c.4429A>G, p.Lys1477Glu (NM_001077183.3); c.4561A>G, p.Lys1521Glu (NM_001114382.3); c.4321A>G, p.Lys1441Glu (NM_001318827.2); and 26 more; short protein forms K1320E, K1324E, K1441E, K1484E, K1029E, K1030E, K1073E, K1344E.
Identifiers: ClinVar variation 3706140 (VCV003706140.2).

ClinVar aggregate classification (germline): Uncertain significance (1 of 4 stars; one submission).

Conditions:
Tuberous sclerosis 2 (TSC2). Identifiers: Orphanet 805, MedGen C1860707, MONDO:0013199, OMIM 613254.

Submission:

Labcorp Genetics (formerly Invitae), Labcorp
Classification: Uncertain significance for Tuberous sclerosis 2. Last evaluated: 2024-04-24. Review status: criteria provided, single submitter. Criteria: Invitae Variant Classification Sherloc (09022015). Collection method: clinical testing. Allele origin: germline.
Comment: This sequence change replaces lysine, which is basic and polar, with glutamic acid, which is acidic and polar, at codon 1544 of the TSC2 protein (p.Lys1544Glu). This variant is not present in population databases (gnomAD no frequency). This variant has not been reported in the literature in individuals affected with TSC2-related conditions. Advanced modeling of protein sequence and biophysical properties (such as structural, functional, and spatial information, amino acid conservation, physicochemical variation, residue mobility, and thermodynamic stability) has been performed at Invitae for this missense variant, however the output from this modeling did not meet the statistical confidence thresholds required to predict the impact of this variant on TSC2 protein function. In summary, the available evidence is currently insufficient to determine the role of this variant in disease. Therefore, it has been classified as a Variant of Uncertain Significance.